The following is an entry in ClinVar:

ClinVar aggregate classification (germline): Uncertain significance (1 of 4 stars; one submission).

Allele frequency attached by ClinVar (database versions not stated): gnomAD exomes 0.00002.
gnomAD v4.1: 25 of 1,613,584 alleles (0.0015%); highest among the groups gnomAD compares: Non-Finnish European, 0.0021%; no homozygotes.

Submission:

Labcorp Genetics (formerly Invitae), Labcorp
Classification: Uncertain significance. Last evaluated: 2023-12-17. Review status: criteria provided, single submitter. Criteria: Invitae Variant Classification Sherloc (09022015). Collection method: clinical testing. Allele origin: germline.
Comment: This sequence change replaces threonine, which is neutral and polar, with asparagine, which is neutral and polar, at codon 648 of the KMT2E protein (p.Thr648Asn). The frequency data for this variant in the population databases is considered unreliable, as metrics indicate poor data quality at this position in the gnomAD database. This variant has not been reported in the literature in individuals affected with KMT2E-related conditions. Advanced modeling of protein sequence and biophysical properties (such as structural, functional, and spatial information, amino acid conservation, physicochemical variation, residue mobility, and thermodynamic stability) performed at Invitae indicates that this missense variant is not expected to disrupt KMT2E protein function with a negative predictive value of 80%. In summary, the available evidence is currently insufficient to determine the role of this variant in disease. Therefore, it has been classified as a Variant of Uncertain Significance.

NM_182931.3(KMT2E):c.1943C>A (p.Thr648Asn)

Gene: KMT2E (lysine methyltransferase 2E (inactive); plus strand). Cytogenetic location: 7q22.3.
Variant type: single nucleotide variant.
Coding change: c.1943C>A on transcript NM_182931.3 (MANE Select); coding-DNA position 1943, C replaced by A.
Protein change: p.Thr648Asn; replaces threonine 648 with asparagine.
Molecular consequence: missense variant.
Genome position (GRCh38, 1-based): chr7:105,101,941, C>A. VCF-style: chr7-105101941-C-A. GRCh37 (hg19) VCF-style: chr7-104742388-C-A.
Other names: c.1943C>A, p.Thr648Asn (NM_001410908.1, NM_018682.4); short protein forms T648N.
Identifiers: ClinVar variation 2788079 (VCV002788079.3), dbSNP rs1365103412, ClinGen allele CA368784656.